The following is an entry in ClinVar:

NM_032632.5(PAPOLA):c.1464A>G (p.Val488=)

Gene: PAPOLA (poly(A) polymerase alpha; plus strand). Cytogenetic location: 14q32.2.
Variant type: single nucleotide variant.
Coding change: c.1464A>G on transcript NM_032632.5 (MANE Select); coding-DNA position 1464, A replaced by G.
Protein change: p.Val488=; no amino-acid change (valine 488 retained).
Molecular consequence: synonymous variant.
Genome position (GRCh38, 1-based): chr14:96,547,861, A>G. VCF-style: chr14-96547861-A-G. GRCh37 (hg19) VCF-style: chr14-97014198-A-G.
Other names: c.1464A>G, p.Val488= (NM_001293627.1, NM_001363662.3, NM_001363664.3 and 2 more transcripts); c.714A>G, p.Val238= (NM_001293628.2, NM_001293632.3).
Identifiers: ClinVar variation 100882 (VCV000100882.3), dbSNP rs483352759, ClinGen allele CA229191.

ClinVar aggregate classification (germline): Uncertain significance. Review status: no assertion criteria provided (0 of 4 stars). 2 submissions from 1 submitter: Uncertain significance (1). 1 of the submissions does not count toward it.

Submissions (2):

Richard Lifton Laboratory, Yale University School of Medicine
Classification: Uncertain significance. Review status: no assertion criteria provided. Collection method: not provided. Allele origin: somatic.
Comment: PAPOLA:p.V488V
ClinVar note: Converted during submission from unknown to Uncertain significance.

Richard Lifton Laboratory, Yale University School of Medicine
Classification: Likely pathogenic. Review status: flagged submission. Collection method: not provided. Allele origin: somatic. Not counted in ClinVar's aggregate classification.
ClinVar note: Converted during submission from probable-pathogenic to Likely pathogenic.
ClinVar note: Reason: This record appears to be redundant with a more recent record from the same submitter.
ClinVar note: Notes: SCV000120107 appears to be redundant with SCV000155211.